The following is an entry in ClinVar:

ClinVar aggregate classification (germline): Uncertain significance (1 of 4 stars; one submission).

Submission:

GeneDx
Classification: Uncertain significance. Last evaluated: 2025-03-18. Review status: criteria provided, single submitter. Criteria: GeneDx Variant Classification Process June 2021. Collection method: clinical testing. Allele origin: germline. Affected: yes.
Comment: Not observed at significant frequency in large population cohorts (gnomAD); In silico analysis indicates that this missense variant does not alter protein structure/function; Has not been previously published as pathogenic or benign to our knowledge

NM_005862.3(STAG1):c.3329G>A (p.Gly1110Asp)

Gene: STAG1 (STAG1 cohesin complex component; minus strand). Cytogenetic location: 3q22.3.
Variant type: single nucleotide variant.
Coding change: c.3329G>A on transcript NM_005862.3 (MANE Select); coding-DNA position 3329, G replaced by A.
Protein change: p.Gly1110Asp; replaces glycine 1110 with aspartic acid.
Molecular consequence: missense variant.
Genome position (GRCh38, 1-based): chr3:136,343,949, C>T on the plus strand (G>A on the coding strand, the complement: STAG1 is on the minus strand). VCF-style: chr3-136343949-C-T. GRCh37 (hg19) VCF-style: chr3-136062791-C-T.
Other names: short protein forms G1110D.
Identifiers: ClinVar variation 4086301 (VCV004086301.1).